The following is an entry in ClinVar:

NM_021831.6(AGBL5):c.2567del (p.Pro856fs)

Gene: AGBL5 (AGBL carboxypeptidase 5; plus strand). Cytogenetic location: 2p23.3.
Variant type: Deletion.
Coding change: c.2567del on transcript NM_021831.6 (MANE Select); coding-DNA position 2567, one base deleted (C; older notation c.2567delC).
Protein change: p.Pro856fs; shifts the reading frame from proline 856.
Molecular consequence: frameshift variant. On other transcripts: non-coding transcript variant (2).
Genome position (GRCh38, 1-based): chr2:27,070,169, C deleted; the last of 4 consecutive C bases (chr2:27,070,166-27,070,169); deleting any one gives the same sequence. VCF-style (leftmost placement, unchanged base first): chr2-27070165-TC-T. GRCh37 (hg19) VCF-style: chr2-27293033-TC-T.
Other names: short protein forms P856fs.
Identifiers: ClinVar variation 963427 (VCV000963427.7), dbSNP rs1669214379, ClinGen allele CA1139656800.

ClinVar aggregate classification (germline): Uncertain significance (1 of 4 stars; one submission).

Submission:

Labcorp Genetics (formerly Invitae), Labcorp
Classification: Uncertain significance. Last evaluated: 2019-08-27. Review status: criteria provided, single submitter. Criteria: Invitae Variant Classification Sherloc (09022015). Collection method: clinical testing. Allele origin: germline.
Comment: In summary, the available evidence is currently insufficient to determine the role of this variant in disease. Therefore, it has been classified as a Variant of Uncertain Significance. Experimental studies and prediction algorithms are not available or were not evaluated for this variant, and the functional significance of this variant is currently unknown. This variant has not been reported in the literature in individuals with AGBL5-related conditions. This variant is not present in population databases (ExAC no frequency). This sequence change results in a premature translational stop signal in the AGBL5 gene (p.Pro856Hisfs*25). While this is not anticipated to result in nonsense mediated decay, it is expected to disrupt the last 31 amino acids of the AGBL5 protein.